The following is an entry in ClinVar:

NM_000719.7(CACNA1C):c.4623+20A>G

Gene: CACNA1C (calcium voltage-gated channel subunit alpha1 C; plus strand). Cytogenetic location: 12p13.33.
Variant type: single nucleotide variant.
Coding change: c.4623+20A>G on transcript NM_000719.7 (MANE Select); 20 bases into the intron after coding-DNA position 4623, A replaced by G.
Molecular consequence: intron variant.
Genome position (GRCh38, 1-based): chr12:2,666,802, A>G. VCF-style: chr12-2666802-A-G. GRCh37 (hg19) VCF-style: chr12-2775968-A-G.
Other names: c.4623+20A>G (NM_001167624.3, NM_001167623.2, NM_001129840.2 and 7 more transcripts); c.4590+20A>G (NM_001167625.2, NM_001129837.2, NM_001129838.2 and 1 more transcripts); c.4767+20A>G (NM_199460.4, NM_001129827.2); c.4683+20A>G (NM_001129832.2); c.4707+20A>G (NM_001129831.2); c.4689+20A>G (NM_001129829.2); c.4584+20A>G (NM_001129839.2); c.4674+20A>G (NM_001129836.2); and 1 more.
Identifiers: ClinVar variation 514328 (VCV000514328.6), dbSNP rs1440822075, ClinGen allele CA658797829.

ClinVar aggregate classification (germline): Likely benign. Review status: criteria provided, multiple submitters, no conflicts (2 of 4 stars). 2 submissions from 2 submitters: Likely benign (2). Last evaluated 2023-12-07.

Conditions:
Long QT syndrome (LQTS). Identifiers: MedGen C0023976, MeSH D008133, MONDO:0002442. Disease mechanism: loss of function. Inheritance: Various modes of inheritance.

Allele frequency attached by ClinVar (database versions not stated): gnomAD exomes 0.00001; TOPMed below 0.00001.
gnomAD v4.1: 9 of 1,484,252 alleles (0.00061%); highest among the groups gnomAD compares: South Asian, 0.0012%; no homozygotes.

Submissions (2):

Labcorp Genetics (formerly Invitae), Labcorp
Classification: Likely benign for Long QT syndrome. Last evaluated: 2023-12-07. Review status: criteria provided, single submitter. Criteria: Invitae Variant Classification Sherloc (09022015). Collection method: clinical testing. Allele origin: germline.

GeneDx
Classification: Likely benign. Last evaluated: 2017-12-27. Review status: criteria provided, single submitter. Criteria: GeneDx Variant Classification (06012015). Collection method: clinical testing. Allele origin: germline. Affected: yes.
Comment: This variant is considered likely benign or benign based on one or more of the following criteria: it is a conservative change, it occurs at a poorly conserved position in the protein, it is predicted to be benign by multiple in silico algorithms, and/or has population frequency not consistent with disease.